The following is an entry in ClinVar:

ClinVar aggregate classification (germline): Uncertain significance (1 of 4 stars; one submission).

Submission:

Ambry Genetics
Classification: Uncertain significance. Last evaluated: 2026-01-02. Review status: criteria provided, single submitter. Criteria: Ambry Variant Classification Scheme 2023. Collection method: clinical testing. Allele origin: germline.
Comment: The p.V822E variant (also known as c.2465T>A), located in coding exon 17 of the CTNNA3 gene, results from a T to A substitution at nucleotide position 2465. The valine at codon 822 is replaced by glutamic acid, an amino acid with dissimilar properties. This amino acid position is conserved. In addition, this alteration is predicted to be deleterious by in silico analysis. Based on the available evidence, the clinical significance of this variant remains unclear.

NM_013266.4(CTNNA3):c.2465T>A (p.Val822Glu)

Gene: CTNNA3 (catenin alpha 3; minus strand). Cytogenetic location: 10q21.3.
Variant type: single nucleotide variant.
Coding change: c.2465T>A on transcript NM_013266.4 (MANE Select); coding-DNA position 2465, T replaced by A.
Protein change: p.Val822Glu; replaces valine 822 with glutamic acid.
Molecular consequence: missense variant.
Genome position (GRCh38, 1-based): chr10:65,920,553, A>T on the plus strand (T>A on the coding strand, the complement: CTNNA3 is on the minus strand). VCF-style: chr10-65920553-A-T. GRCh37 (hg19) VCF-style: chr10-67680311-A-T.
Other names: c.2465T>A, p.Val822Glu (NM_001127384.3); short protein forms V822E.
Identifiers: ClinVar variation 4842459 (VCV004842459.1).
Genomic context (GRCh38, chr10:65,920,553, plus strand): 5'-CGGGGCCCAGCAGGACTCTGGATTCGGATGATCTTGGTTGAGGCAATGTAAGACATTTTC[A>T]CTGTTTGCACTACAGCATTCATTAAATTTTTGGCTGCTTGGATCAGGGATGTGACACTGT-3'
Protein context (NP_037398.2, residues 812-832): KNLMNAVVQT[Val822Glu]KMSYIASTKI